The following is an entry in ClinVar:

ClinVar aggregate classification (germline): Likely benign. Review status: reviewed by expert panel (3 of 4 stars). 2 submissions from 2 submitters: Likely benign (1). 1 of the submissions does not count toward it. Last evaluated 2025-01-15.

Conditions:
Hereditary thrombocytopenia and hematologic cancer predisposition syndrome. Identifiers: Orphanet 71290, MedGen CN281654, MONDO:0011071.

Allele frequency attached by ClinVar (database versions not stated): 1000 Genomes Project 0.00459; 1000 Genomes Project 30x 0.00500; TOPMed 0.00900; gnomAD 0.00935 and 0.00960.
gnomAD v4.1: 1,445 of 152,338 alleles (0.95%); highest among the groups gnomAD compares: Middle Eastern, 1.7%; 17 homozygotes.

Submissions (2):

ClinGen Myeloid Malignancy Variant Curation Expert Panel
Classification: Likely benign for Hereditary thrombocytopenia and hematologic cancer predisposition syndrome. Last evaluated: 2025-01-15. Review status: reviewed by expert panel. Criteria: ClinGen MyeloMalig ACMG Specifications v2. Collection method: curation. Allele origin: germline. Inheritance: Autosomal dominant inheritance.
Comment: NM_001754.5(RUNX1):c.509-197T>C is an intronic variant which has not been featured in functional or case studies. Computational data has been used to evaluate this variant. The MAF of 0.01296 n the European (Non-Finnish) subpopulation of the gnomAD v2 cohort allows for application of BS1; the observation of this variant in a homozygous state in the same population allows for the application BP2. This variant has a SpliceAI score of 0, and a PhyloP score of -0.58, allowing for the application of both BP4 and BP7. In summary, this variant meets criteria to be classified as benign. ACMG/AMP criteria applied, as specified by the Myeloid Malignancy Variant Curation Expert Panel for RUNX1: BS1, BP2, BP4, BP7

GeneDx
Classification: Likely benign. Last evaluated: 2018-06-23. Review status: criteria provided, single submitter. Criteria: GeneDx Variant Classification Process June 2021. Collection method: clinical testing. Allele origin: germline. Affected: yes. Not counted in ClinVar's aggregate classification.

NM_001754.5(RUNX1):c.509-197T>C

Genes: RUNX1 (RUNX family transcription factor 1; minus strand), RUNX1-AS1 (RUNX1 antisense RNA 1; plus strand). Cytogenetic location: 21q22.12.
Variant type: single nucleotide variant.
Coding change: c.509-197T>C on transcript NM_001754.5 (MANE Select); 197 bases into the intron before coding-DNA position 509, T replaced by C.
Molecular consequence: intron variant.
Genome position (GRCh38, 1-based): chr21:34,859,775, A>G on the plus strand (T>C on the coding strand, the complement: RUNX1 is on the minus strand). VCF-style: chr21-34859775-A-G. GRCh37 (hg19) VCF-style: chr21-36232072-A-G.
Other names: c.428-197T>C (NM_001001890.3, NM_001122607.2).
Identifiers: ClinVar variation 1205449 (VCV001205449.4), dbSNP rs55961764, ClinGen allele CA320618189.